The following is an entry in ClinVar:

ClinVar aggregate classification (germline): Benign/Likely benign. Review status: criteria provided, single submitter (1 of 4 stars). 2 submissions from 1 submitter: Benign (1); Likely benign (1). Last evaluated 2018-01-12.

Conditions:
Sacral defect with anterior meningocele. Identifiers: MedGen C1838568, OMIM 600145.
Neural tube defect (NTD). Also called: Neural tube defects. Identifiers: Orphanet 3388, Orphanet 823, MedGen C0027794, MONDO:0018075, HP:0045005.

Allele frequency attached by ClinVar (database versions not stated): gnomAD 0.00454 and 0.00486; TOPMed 0.00485; 1000 Genomes Project 0.00679; 1000 Genomes Project 30x 0.00750.

Submissions (2):

Illumina Laboratory Services, Illumina
Classification: Likely benign for Neural tube defects, susceptibility to. Last evaluated: 2018-01-12. Review status: criteria provided, single submitter. Criteria: ICSL Variant Classification Criteria 13 December 2019. Collection method: clinical testing. Allele origin: germline.
Comment: This variant was observed in the ICSL laboratory as part of a predisposition screen in an ostensibly healthy population. It had not been previously curated by ICSL or reported in the Human Gene Mutation Database (HGMD: prior to June 1st, 2018), and was therefore a candidate for classification through an automated scoring system. Utilizing variant allele frequency, disease prevalence and penetrance estimates, and inheritance mode, an automated score was calculated to assess if this variant is too frequent to cause the disease. Based on the score and internal cut-off values, a variant classified as likely benign is not then subjected to further curation. The score for this variant resulted in a classification of likely benign for this disease.

Illumina Laboratory Services, Illumina
Classification: Benign for Sacral defect with anterior meningocele. Last evaluated: 2018-01-12. Review status: criteria provided, single submitter. Criteria: ICSL Variant Classification Criteria 13 December 2019. Collection method: clinical testing. Allele origin: germline.
Comment: This variant was observed in the ICSL laboratory as part of a predisposition screen in an ostensibly healthy population. It had not been previously curated by ICSL or reported in the Human Gene Mutation Database (HGMD: prior to June 1st, 2018), and was therefore a candidate for classification through an automated scoring system. Utilizing variant allele frequency, disease prevalence and penetrance estimates, and inheritance mode, an automated score was calculated to assess if this variant is too frequent to cause the disease. Based on the score and internal cut-off values, a variant classified as benign is not then subjected to further curation. The score for this variant resulted in a classification of benign for this disease.

NM_138959.3(VANGL1):c.*5444C>G

Gene: VANGL1 (VANGL planar cell polarity protein 1; plus strand). Cytogenetic location: 1p13.1.
Variant type: single nucleotide variant.
Coding change: c.*5444C>G on transcript NM_138959.3 (MANE Select); 5444 bases downstream of the stop codon, C replaced by G.
Molecular consequence: 3 prime UTR variant.
Genome position (GRCh38, 1-based): chr1:115,696,823, C>G. VCF-style: chr1-115696823-C-G. GRCh37 (hg19) VCF-style: chr1-116239444-C-G.
Other names: c.*5444C>G (NM_001172411.2, NM_001172412.2).
Identifiers: ClinVar variation 292091 (VCV000292091.5), dbSNP rs142497673, ClinGen allele CA10607578.